The following is an entry in ClinVar:

ClinVar aggregate classification (germline): Likely benign. Review status: criteria provided, single submitter (1 of 4 stars). 2 submissions from 2 submitters: Likely benign (1). 1 of the submissions does not count toward it. Last evaluated 2023-11-07.

Conditions:
NAF1-related disorder. Also called: NAF1-related condition.

Allele frequency attached by ClinVar (database versions not stated): gnomAD 0.00001; gnomAD exomes 0.00001; ExAC 0.00002.
gnomAD v4.1: 16 of 1,584,334 alleles (0.001%); highest among the groups gnomAD compares: Middle Eastern, 0.033%; no homozygotes.

Submissions (2):

Labcorp Genetics (formerly Invitae), Labcorp
Classification: Likely benign. Last evaluated: 2023-11-07. Review status: criteria provided, single submitter. Criteria: Invitae Variant Classification Sherloc (09022015). Collection method: clinical testing. Allele origin: germline.

PreventionGenetics, part of Exact Sciences
Classification: Likely benign for NAF1-related condition. Last evaluated: 2019-04-02. Review status: no assertion criteria provided. Collection method: clinical testing. Allele origin: germline. Not counted in ClinVar's aggregate classification.
Comment: This variant is classified as likely benign based on ACMG/AMP sequence variant interpretation guidelines (Richards et al. 2015 PMID: 25741868, with internal and published modifications).

NM_138386.3(NAF1):c.574C>T (p.Leu192=)

Gene: NAF1 (nuclear assembly factor 1 ribonucleoprotein; minus strand). Cytogenetic location: 4q32.2.
Variant type: single nucleotide variant.
Coding change: c.574C>T on transcript NM_138386.3 (MANE Select); coding-DNA position 574, C replaced by T.
Protein change: p.Leu192=; no amino-acid change (leucine 192 retained).
Molecular consequence: synonymous variant.
Genome position (GRCh38, 1-based): chr4:163,148,401, G>A on the plus strand (C>T on the coding strand, the complement: NAF1 is on the minus strand). VCF-style: chr4-163148401-G-A. GRCh37 (hg19) VCF-style: chr4-164069553-G-A.
Other names: c.574C>T (NM_138386.2); c.574C>T, p.Leu192= (NM_001128931.2).
Identifiers: ClinVar variation 2715500 (VCV002715500.5), dbSNP rs1553960622, ClinGen allele CA3126330.
Genomic context (GRCh38, chr4:163,148,401, plus strand): 5'-CTAGTTGTTCAATAATACTTGAAACCATCCCAAGAGGCTTTAACTCAATATCTTCAGGCA[G>A]AATAATAGTGAGTTCTTCAACAGAAGGCAGTTCCTATAATTTAAAACAAAACAAAACATT-3'
Protein context (NP_612395.2, residues 182-202): LPSVEELTII[Leu192=]PEDIELKPLG